The following is an entry in ClinVar:

ClinVar aggregate classification (germline): Uncertain significance (1 of 4 stars; one submission).

Conditions:
Gorlin syndrome. Also called: Basal cell nevus syndrome; Nevoid Basal Cell Carcinoma Syndrome. Identifiers: Orphanet 377, MedGen C0004779, MONDO:0007187.

Submission:

Labcorp Genetics (formerly Invitae), Labcorp
Classification: Uncertain significance for Gorlin syndrome. Last evaluated: 2025-09-15. Review status: criteria provided, single submitter. Criteria: Invitae Variant Classification Sherloc (09022015). Collection method: clinical testing. Allele origin: germline.
Comment: This sequence change replaces leucine, which is neutral and non-polar, with methionine, which is neutral and non-polar, at codon 79 of the PTCH1 protein (p.Leu79Met). This variant is not present in population databases (gnomAD no frequency). This variant has not been reported in the literature in individuals affected with PTCH1-related conditions. ClinVar contains an entry for this variant (Variation ID: 576895). Invitae Evidence Modeling of protein sequence and biophysical properties (such as structural, functional, and spatial information, amino acid conservation, physicochemical variation, residue mobility, and thermodynamic stability) indicates that this missense variant is not expected to disrupt PTCH1 protein function with a negative predictive value of 95%. In summary, the available evidence is currently insufficient to determine the role of this variant in disease. Therefore, it has been classified as a Variant of Uncertain Significance.

NM_000264.5(PTCH1):c.235C>A (p.Leu79Met)

Gene: PTCH1 (patched 1; minus strand). Cytogenetic location: 9q22.32.
Variant type: single nucleotide variant.
Coding change: c.235C>A on transcript NM_000264.5 (MANE Select); coding-DNA position 235, C replaced by A.
Protein change: p.Leu79Met; replaces leucine 79 with methionine.
Molecular consequence: missense variant. On other transcripts: 5 prime UTR variant (4), non-coding transcript variant (1).
Genome position (GRCh38, 1-based): chr9:95,506,566, G>T on the plus strand (C>A on the coding strand, the complement: PTCH1 is on the minus strand). VCF-style: chr9-95506566-G-T. GRCh37 (hg19) VCF-style: chr9-98268848-G-T.
Other names: c.37C>A, p.Leu13Met (NM_001083602.3, NM_001354919.2); c.232C>A, p.Leu78Met (NM_001083603.3); c.-219C>A (NM_001083604.3, NM_001083605.3, NM_001083606.3 and 1 more transcripts); c.235C>A, p.Leu79Met (NM_001354918.2); short protein forms L13M, L79M, L78M.
Identifiers: ClinVar variation 576895 (VCV000576895.9), dbSNP rs1564088372, ClinGen allele CA374120627.